The following is an entry in ClinVar:

ClinVar aggregate classification (germline): Uncertain significance (0 of 4 stars; one submission).

Conditions:
ATRX-related disorder. Also called: ATRX-related condition.

Submission:

PreventionGenetics, part of Exact Sciences
Classification: Uncertain significance for ATRX-related condition. Last evaluated: 2023-12-27. Review status: no assertion criteria provided. Collection method: clinical testing. Allele origin: germline.
Comment: The ATRX c.5671C>G variant is predicted to result in the amino acid substitution p.Leu1891Val. To our knowledge, this variant has not been reported in the literature or in a large population database, indicating this variant is rare. Although we suspect this variant could be pathogenic, at this time, the clinical significance of this variant is uncertain due to the absence of conclusive functional and genetic evidence.

NM_000489.6(ATRX):c.5671C>G (p.Leu1891Val)

Gene: ATRX (ATRX chromatin remodeler; minus strand). Cytogenetic location: Xq21.1.
Variant type: single nucleotide variant.
Coding change: c.5671C>G on transcript NM_000489.6 (MANE Select); coding-DNA position 5671, C replaced by G.
Protein change: p.Leu1891Val; replaces leucine 1891 with valine.
Molecular consequence: missense variant.
Genome position (GRCh38, 1-based): chrX:77,600,460, G>C on the plus strand (C>G on the coding strand, the complement: ATRX is on the minus strand). VCF-style: chrX-77600460-G-C. GRCh37 (hg19) VCF-style: chrX-76855929-G-C.
Other names: c.5557C>G, p.Leu1853Val (NM_138270.5); short protein forms L1853V, L1891V.
Identifiers: ClinVar variation 3049208 (VCV003049208.2), dbSNP rs2066633897, ClinGen allele CA413698200.